The following is an entry in ClinVar:

ClinVar aggregate classification (germline): Uncertain significance. Review status: criteria provided, multiple submitters, no conflicts (2 of 4 stars). 2 submissions from 2 submitters: Uncertain significance (2). Last evaluated 2022-06-20.

Conditions:
Netherton syndrome (NETH). Also called: NETHERTON DISEASE; ERYTHRODERMA, ICHTHYOSIFORM, WITH HYPOTRICHOSIS AND HYPER-IgE; COMEL-NETHERTON SYNDROME. Identifiers: Orphanet 634, MedGen C5574950, MONDO:0009735, OMIM 256500.

Allele frequency attached by ClinVar (database versions not stated): TOPMed below 0.00001; gnomAD 0.00001; gnomAD exomes 0.00001 and 0.00002.
gnomAD v4.1: 7 of 1,613,864 alleles (0.00043%); highest among the groups gnomAD compares: Admixed American, 0.012%; no homozygotes.

Submissions (2):

Labcorp Genetics (formerly Invitae), Labcorp
Classification: Uncertain significance for Ichthyosis linearis circumflexa. Last evaluated: 2022-06-20. Review status: criteria provided, single submitter. Criteria: Invitae Variant Classification Sherloc (09022015). Collection method: clinical testing. Allele origin: germline.
Comment: This sequence change replaces methionine, which is neutral and non-polar, with isoleucine, which is neutral and non-polar, at codon 884 of the SPINK5 protein (p.Met884Ile). This variant is present in population databases (no rsID available, gnomAD 0.01%). This variant has not been reported in the literature in individuals affected with SPINK5-related conditions. ClinVar contains an entry for this variant (Variation ID: 906541). Algorithms developed to predict the effect of missense changes on protein structure and function are either unavailable or do not agree on the potential impact of this missense change (SIFT: "Deleterious"; PolyPhen-2: "Probably Damaging"; Align-GVGD: "Class C0"). In summary, the available evidence is currently insufficient to determine the role of this variant in disease. Therefore, it has been classified as a Variant of Uncertain Significance.

Illumina Laboratory Services, Illumina
Classification: Uncertain significance for Netherton syndrome. Last evaluated: 2017-04-27. Review status: criteria provided, single submitter. Criteria: ICSL Variant Classification Criteria 13 December 2019. Collection method: clinical testing. Allele origin: germline.

NM_006846.4(SPINK5):c.2652G>A (p.Met884Ile)

Gene: SPINK5 (serine peptidase inhibitor Kazal type 5; plus strand). Cytogenetic location: 5q32.
Variant type: single nucleotide variant.
Coding change: c.2652G>A on transcript NM_006846.4 (MANE Select); coding-DNA position 2652, G replaced by A.
Protein change: p.Met884Ile; replaces methionine 884 with isoleucine.
Molecular consequence: missense variant.
Genome position (GRCh38, 1-based): chr5:148,123,946, G>A. VCF-style: chr5-148123946-G-A. GRCh37 (hg19) VCF-style: chr5-147503509-G-A.
Other names: c.2652G>A, p.Met884Ile (NM_001127698.2, NM_001127699.2); short protein forms M884I.
Identifiers: ClinVar variation 906541 (VCV000906541.5), dbSNP rs1431258015, ClinGen allele CA361648082.